The following is an entry in ClinVar:

ClinVar aggregate classification (germline): Conflicting classifications of pathogenicity. Review status: criteria provided, conflicting classifications (1 of 4 stars). 2 submissions from 2 submitters: Uncertain significance (1); Likely benign (1). Last evaluated 2025-07-07.

Conditions:
Inborn genetic diseases. Identifiers: MedGen C0950123, MeSH D030342.

Allele frequency attached by ClinVar (database versions not stated): gnomAD exomes 0.00005; ESP Exome Variant Server 0.00008; gnomAD 0.00005; TOPMed 0.00005; ExAC 0.00016; 1000 Genomes Project 0.00020; 1000 Genomes Project 30x 0.00031.
gnomAD v4.1: 86 of 1,614,202 alleles (0.0053%); highest among the groups gnomAD compares: Non-Finnish European, 0.0064%; no homozygotes.

Submissions (2):

Labcorp Genetics (formerly Invitae), Labcorp
Classification: Uncertain significance. Last evaluated: 2025-07-07. Review status: criteria provided, single submitter. Criteria: Invitae Variant Classification Sherloc (09022015). Collection method: clinical testing. Allele origin: germline.
Comment: This sequence change replaces lysine, which is basic and polar, with arginine, which is basic and polar, at codon 784 of the SIN3A protein (p.Lys784Arg). This variant is present in population databases (rs201853552, gnomAD 0.02%). This variant has not been reported in the literature in individuals affected with SIN3A-related conditions. ClinVar contains an entry for this variant (Variation ID: 2347857). Invitae Evidence Modeling of protein sequence and biophysical properties (such as structural, functional, and spatial information, amino acid conservation, physicochemical variation, residue mobility, and thermodynamic stability) indicates that this missense variant is not expected to disrupt SIN3A protein function with a negative predictive value of 80%. In summary, the available evidence is currently insufficient to determine the role of this variant in disease. Therefore, it has been classified as a Variant of Uncertain Significance.

Ambry Genetics
Classification: Likely benign for Inborn genetic diseases. Last evaluated: 2022-09-06. Review status: criteria provided, single submitter. Criteria: Ambry Variant Classification Scheme 2023. Collection method: clinical testing. Allele origin: germline.

NM_001145358.2(SIN3A):c.2351A>G (p.Lys784Arg)

Gene: SIN3A (SIN3 transcription regulator family member A; minus strand). Cytogenetic location: 15q24.2.
Variant type: single nucleotide variant.
Coding change: c.2351A>G on transcript NM_001145358.2 (MANE Select); coding-DNA position 2351, A replaced by G.
Protein change: p.Lys784Arg; replaces lysine 784 with arginine.
Molecular consequence: missense variant.
Genome position (GRCh38, 1-based): chr15:75,392,742, T>C on the plus strand (A>G on the coding strand, the complement: SIN3A is on the minus strand). VCF-style: chr15-75392742-T-C. GRCh37 (hg19) VCF-style: chr15-75685083-T-C.
Other names: c.2351A>G, p.Lys784Arg (NM_001145357.2, NM_015477.3); short protein forms K784R.
Identifiers: ClinVar variation 2347857 (VCV002347857.5), dbSNP rs201853552, ClinGen allele CA7667457.
Genomic context (GRCh38, chr15:75,392,742, plus strand): 5'-ATGCCTGTCTGCCTCTTCACATGGTGGATAATCAGAGCAGCAGCATCTTCCAGTATTTGT[T>C]TGTCTTCATACGCAAGTGAGAGGTGTGGGCCAACAGGTACACCAGCATTCTCCTCCGTAG-3'
Protein context (NP_001138830.1, residues 774-794): GPHLSLAYED[Lys784Arg]QILEDAAALI